The following is an entry in ClinVar:

ClinVar aggregate classification (germline): Pathogenic (1 of 4 stars; one submission).

Submission:

Labcorp Genetics (formerly Invitae), Labcorp
Classification: Pathogenic. Last evaluated: 2024-07-15. Review status: criteria provided, single submitter. Criteria: Invitae Variant Classification Sherloc (09022015). Collection method: clinical testing. Allele origin: germline.
Comment: This sequence change creates a premature translational stop signal (p.Asn135Cysfs*2) in the LARP7 gene. It is expected to result in an absent or disrupted protein product. Loss-of-function variants in LARP7 are known to be pathogenic (PMID: 22865833, 26374271, 26607181). This variant is not present in population databases (gnomAD no frequency). This variant has not been reported in the literature in individuals affected with LARP7-related conditions. For these reasons, this variant has been classified as Pathogenic.

Literature cited by the submitters: PubMed 22865833; PubMed 26374271; PubMed 26607181.

NM_016648.4(LARP7):c.403_404del (p.Asn135fs)

Genes: LARP7 (La ribonucleoprotein 7, transcriptional regulator; plus strand), MIR302CHG (miR-302/367 cluster host gene; minus strand). Cytogenetic location: 4q25.
Variant type: Deletion.
Coding change: c.403_404del on transcript NM_016648.4 (MANE Select); coding-DNA positions 403 to 404, 2 bases deleted (AA; older notation c.403_404delAA).
Protein change: p.Asn135fs; shifts the reading frame from asparagine 135.
Molecular consequence: frameshift variant. On other transcripts: non-coding transcript variant (3).
Genome position (GRCh38, 1-based): chr4:112,646,806-112,646,807, AA deleted; deleting any 2 consecutive bases within chr4:112,646,803-112,646,807 gives the same sequence; the c. name uses the placement nearest the transcript's 3' end. VCF-style (leftmost placement, unchanged base first): chr4-112646802-CAA-C. GRCh37 (hg19) VCF-style: chr4-113567958-CAA-C.
Other names: c.403_404del, p.Asn135fs (NM_001267039.4, NM_001370974.1, NM_001370975.1 and 6 more transcripts); c.166_167del, p.Asn56fs (NM_001370981.1, NM_001370982.1); short protein forms N135fs, N56fs.
Identifiers: ClinVar variation 3653931 (VCV003653931.2).